The following is an entry in ClinVar:

ClinVar aggregate classification (germline): Uncertain significance. Review status: criteria provided, multiple submitters, no conflicts (2 of 4 stars). 2 submissions from 2 submitters: Uncertain significance (2). Last evaluated 2025-07-31.

Conditions:
Charcot-Marie-Tooth disease, axonal, autosomal recessive, type 2a2b;. Also called: Charcot-Marie-Tooth disease, axonal, autosomal recessive, type 2A2B; Charcot-Marie-Tooth disease, axonal, type 2A2B. Identifiers: MedGen C4310725, MONDO:0014906, OMIM 617087.
MFN2-related disorder. Also called: MFN2-related condition; MFN2-related disorders.

gnomAD v4.1: 2 of 1,614,160 alleles (0.00012%); highest among the groups gnomAD compares: South Asian, 0.0022%; no homozygotes.

Submissions (2):

3billion
Classification: Uncertain significance for Charcot-Marie-Tooth disease, axonal, autosomal recessive, type 2a2b;. Last evaluated: 2025-07-31. Review status: criteria provided, single submitter. Criteria: ACMG Guidelines, 2015. Collection method: clinical testing. Allele origin: germline. Affected: yes.
Comment: The variant is observed at an extremely low frequency in the gnomAD v4.1.0 dataset (total allele frequency: <0.001%). Predicted Consequence/Location: Missense variant In silico tool predictions suggest damaging effect of the variant on gene or gene product [REVEL: 0.68 (>=0.6, sensitivity 0.68 and specificity 0.92)]. The variant has been reported as of uncertain significance (ClinVar ID: VCV002632601). Different missense changes at the same codon have been reported as of uncertain significance (ClinVar ID: VCV000917373). Therefore, this variant is classified as VUS according to the recommendation of ACMG/AMP guideline.

PreventionGenetics, part of Exact Sciences
Classification: Uncertain significance for MFN2-related condition. Last evaluated: 2023-06-22. Review status: criteria provided, single submitter. Criteria: ACMG Guidelines, 2015. Collection method: clinical testing. Allele origin: germline.
Comment: The MFN2 c.802G>C variant is predicted to result in the amino acid substitution p.Glu268Gln. To our knowledge, this variant has not been reported in the literature. This variant is reported in 0.0033% of alleles in individuals of South Asian descent in gnomAD. A different substitution affecting the same amino acid (p.Glu268Lys) was reported as uncertain in an individual with with suspected Charcot-Marie-Tooth disease (Table S2, Volodarsky et al. 2021. PubMed ID: 32376792). At this time, the clinical significance of this variant is uncertain due to the absence of conclusive functional and genetic evidence.

NM_014874.4(MFN2):c.802G>C (p.Glu268Gln)

Gene: MFN2 (mitofusin 2; plus strand). Cytogenetic location: 1p36.22.
Variant type: single nucleotide variant.
Coding change: c.802G>C on transcript NM_014874.4 (MANE Select); coding-DNA position 802, G replaced by C.
Protein change: p.Glu268Gln; replaces glutamic acid 268 with glutamine.
Molecular consequence: missense variant.
Genome position (GRCh38, 1-based): chr1:11,999,081, G>C. VCF-style: chr1-11999081-G-C. GRCh37 (hg19) VCF-style: chr1-12059138-G-C.
Other names: c.802G>C, p.Glu268Gln (NM_001127660.2); short protein forms E268Q.
Identifiers: ClinVar variation 2632601 (VCV002632601.2), dbSNP rs1453267972, ClinGen allele CA338439444.